The following is an entry in ClinVar:

NM_017617.5(NOTCH1):c.6572T>C (p.Leu2191Pro)

Gene: NOTCH1 (notch receptor 1; minus strand). Cytogenetic location: 9q34.3.
Variant type: single nucleotide variant.
Coding change: c.6572T>C on transcript NM_017617.5 (MANE Select); coding-DNA position 6572, T replaced by C.
Protein change: p.Leu2191Pro; replaces leucine 2191 with proline.
Molecular consequence: missense variant.
Genome position (GRCh38, 1-based): chr9:136,497,167, A>G on the plus strand (T>C on the coding strand, the complement: NOTCH1 is on the minus strand). VCF-style: chr9-136497167-A-G. GRCh37 (hg19) VCF-style: chr9-139391619-A-G.
Other names: short protein forms L2191P.
Identifiers: ClinVar variation 4121658 (VCV004121658.1).

ClinVar aggregate classification (germline): Uncertain significance (1 of 4 stars; one submission).

Conditions:
Familial thoracic aortic aneurysm and aortic dissection (TAAD). Also called: Thoracic aortic aneurysms and dissections. Identifiers: Orphanet 91387, MedGen C4707243, MONDO:0019625.

gnomAD v4.1: 3 of 1,612,798 alleles (0.00019%); highest among the groups gnomAD compares: Non-Finnish European, 0.00025%; no homozygotes.

Submission:

Ambry Genetics
Classification: Uncertain significance for Familial thoracic aortic aneurysm and aortic dissection. Last evaluated: 2025-07-30. Review status: criteria provided, single submitter. Criteria: Ambry Variant Classification Scheme 2023. Collection method: clinical testing. Allele origin: germline.
Comment: The p.L2191P variant (also known as c.6572T>C), located in coding exon 34 of the NOTCH1 gene, results from a T to C substitution at nucleotide position 6572. The leucine at codon 2191 is replaced by proline, an amino acid with similar properties. This amino acid position is conserved. In addition, the in silico prediction for this alteration is inconclusive. Based on the available evidence, the clinical significance of this variant remains unclear.